The following is an entry in ClinVar:

NM_005612.5(REST):c.2477T>C (p.Met826Thr)

Gene: REST (RE1 silencing transcription factor; plus strand). Cytogenetic location: 4q12.
Variant type: single nucleotide variant.
Coding change: c.2477T>C on transcript NM_005612.5 (MANE Select); coding-DNA position 2477, T replaced by C.
Protein change: p.Met826Thr; replaces methionine 826 with threonine.
Molecular consequence: missense variant.
Genome position (GRCh38, 1-based): chr4:56,931,335, T>C. VCF-style: chr4-56931335-T-C. GRCh37 (hg19) VCF-style: chr4-57797501-T-C.
Other names: c.2477T>C, p.Met826Thr (NM_001193508.2, NM_001363453.3); short protein forms M826T.
Identifiers: ClinVar variation 1412526 (VCV001412526.6), dbSNP rs754996610, ClinGen allele CA97637145.
Genomic context (GRCh38, chr4:56,931,335, plus strand): 5'-ACATGGAGCCAATTTCCAAAAAGCCTCCTCTCCGAAAAGATAAAAAGGAAAAGTCTAACA[T>C]GCAGAGTGAAAGGGCACGGAAGGAGCAAGTCCTTATTGAAGTTGGCTTAGTGCCTGTTAA-3'
Protein context (NP_005603.3, residues 816-836): LRKDKKEKSN[Met826Thr]QSERARKEQV

ClinVar aggregate classification (germline): Uncertain significance (1 of 4 stars; one submission).

Submission:

Labcorp Genetics (formerly Invitae), Labcorp
Classification: Uncertain significance. Last evaluated: 2025-06-04. Review status: criteria provided, single submitter. Criteria: Invitae Variant Classification Sherloc (09022015). Collection method: clinical testing. Allele origin: germline.
Comment: This sequence change replaces methionine, which is neutral and non-polar, with threonine, which is neutral and polar, at codon 826 of the REST protein (p.Met826Thr). This variant is present in population databases (rs754996610, gnomAD 0.004%). This variant has not been reported in the literature in individuals affected with REST-related conditions. ClinVar contains an entry for this variant (Variation ID: 1412526). An algorithm developed to predict the effect of missense changes on protein structure and function outputs the following: PolyPhen-2: "Benign". The threonine amino acid residue is found in multiple mammalian species, which suggests that this missense change does not adversely affect protein function. In summary, the available evidence is currently insufficient to determine the role of this variant in disease. Therefore, it has been classified as a Variant of Uncertain Significance.